The following is an entry in ClinVar:

NM_006950.3(SYN1):c.2030C>T (p.Pro677Leu)

Gene: SYN1 (synapsin I; minus strand). Cytogenetic location: Xp11.3.
Variant type: single nucleotide variant.
Coding change: c.2030C>T on transcript NM_006950.3 (MANE Select); coding-DNA position 2030, C replaced by T.
Protein change: p.Pro677Leu; replaces proline 677 with leucine.
Molecular consequence: missense variant. On other transcripts: synonymous variant (1).
Genome position (GRCh38, 1-based): chrX:47,572,952, G>A on the plus strand (C>T on the coding strand, the complement: SYN1 is on the minus strand). VCF-style: chrX-47572952-G-A. GRCh37 (hg19) VCF-style: chrX-47432351-G-A.
Other names: c.1992C>T, p.Pro664= (NM_133499.2); short protein forms P677L.
Identifiers: ClinVar variation 2660428 (VCV002660428.25), dbSNP rs913039156, ClinGen allele CA329056845.

ClinVar aggregate classification (germline): Conflicting classifications of pathogenicity. Review status: criteria provided, conflicting classifications (1 of 4 stars). 2 submissions from 2 submitters: Uncertain significance (1); Likely benign (1). Last evaluated 2026-07-23.

Conditions:
Inborn genetic diseases. Identifiers: MedGen C0950123, MeSH D030342.

Allele frequency attached by ClinVar (database versions not stated): TOPMed below 0.00001; gnomAD 0.00001.

Submissions (2):

Ambry Genetics
Classification: Likely benign for Inborn genetic diseases. Last evaluated: 2026-07-23. Review status: criteria provided, single submitter. Criteria: Ambry Variant Classification Scheme 2023. Collection method: clinical testing. Allele origin: germline.

CeGaT Center for Human Genetics Tuebingen
Classification: Uncertain significance. Last evaluated: 2023-07-01. Review status: criteria provided, single submitter. Criteria: CeGaT Center For Human Genetics Tuebingen Variant Classification Criteria Version 2. Collection method: clinical testing. Allele origin: germline. Affected: yes. Observed: 1 variant allele.
Comment: SYN1: PP2